The following is an entry in ClinVar:

NM_001354930.2(RIPK1):c.368T>C (p.Ile123Thr)

Gene: RIPK1 (receptor interacting serine/threonine kinase 1; plus strand). Cytogenetic location: 6p25.2.
Variant type: single nucleotide variant.
Coding change: c.368T>C on transcript NM_001354930.2 (MANE Select); coding-DNA position 368, T replaced by C.
Protein change: p.Ile123Thr; replaces isoleucine 123 with threonine.
Molecular consequence: missense variant. On other transcripts: 5 prime UTR variant (4), intron variant (1).
Genome position (GRCh38, 1-based): chr6:3,081,025, T>C. VCF-style: chr6-3081025-T-C. GRCh37 (hg19) VCF-style: chr6-3081259-T-C.
Other names: c.-236T>C (NM_001317061.3, NM_001354932.2, NM_001354933.2 and 1 more transcripts); c.368T>C, p.Ile123Thr (NM_003804.6); c.322-2060T>C (NM_001354931.2); short protein forms I123T.
Identifiers: ClinVar variation 1368739 (VCV001368739.7), dbSNP rs116603010, ClinGen allele CA3618170.

ClinVar aggregate classification (germline): Uncertain significance. Review status: criteria provided, multiple submitters, no conflicts (2 of 4 stars). 2 submissions from 2 submitters: Uncertain significance (2). Last evaluated 2024-09-12.

Conditions:
Autoinflammation with episodic fever and lymphadenopathy. Also called: CLEAVAGE-RESISTANT RIPK1-INDUCED AUTOINFLAMMATORY SYNDROME; CRIA SYNDROME. Identifiers: MedGen C5394286, MONDO:0030018, OMIM 618852.
Immunodeficiency 57. Also called: IMMUNODEFICIENCY 57 WITH AUTOINFLAMMATION. Identifiers: MedGen C4748212, MONDO:0020849, OMIM 618108.

Allele frequency attached by ClinVar (database versions not stated): gnomAD 0.00001 and 0.00003; TOPMed 0.00002; gnomAD exomes 0.00004; ExAC 0.00005; 1000 Genomes Project 0.00020; 1000 Genomes Project 30x 0.00031.
gnomAD v4.1: 42 of 1,614,100 alleles (0.0026%); highest among the groups gnomAD compares: South Asian, 0.036%; no homozygotes.

Submissions (2):

Labcorp Genetics (formerly Invitae), Labcorp
Classification: Uncertain significance. Last evaluated: 2024-09-12. Review status: criteria provided, single submitter. Criteria: Invitae Variant Classification Sherloc (09022015). Collection method: clinical testing. Allele origin: germline.
Comment: This sequence change replaces isoleucine, which is neutral and non-polar, with threonine, which is neutral and polar, at codon 123 of the RIPK1 protein (p.Ile123Thr). This variant is present in population databases (rs116603010, gnomAD 0.03%). This variant has not been reported in the literature in individuals affected with RIPK1-related conditions. ClinVar contains an entry for this variant (Variation ID: 1368739). An algorithm developed to predict the effect of missense changes on protein structure and function (PolyPhen-2) suggests that this variant is likely to be tolerated. In summary, the available evidence is currently insufficient to determine the role of this variant in disease. Therefore, it has been classified as a Variant of Uncertain Significance.

Fulgent Genetics
Classification: Uncertain significance for Immunodeficiency 57; Autoinflammation with episodic fever and lymphadenopathy. Last evaluated: 2021-08-05. Review status: criteria provided, single submitter. Criteria: ACMG Guidelines, 2015. Collection method: clinical testing. Allele origin: unknown.